The following is an entry in ClinVar:

ClinVar aggregate classification (germline): Uncertain significance (1 of 4 stars; one submission).

Conditions:
Nephronophthisis. Also called: Juvenile Nephronophthisis. Identifiers: Orphanet 655, MedGen C0687120, MONDO:0019005, HP:0000090.

Allele frequency attached by ClinVar (database versions not stated): TOPMed 0.00001.

Submission:

Labcorp Genetics (formerly Invitae), Labcorp
Classification: Uncertain significance for Nephronophthisis. Last evaluated: 2023-04-05. Review status: criteria provided, single submitter. Criteria: Invitae Variant Classification Sherloc (09022015). Collection method: clinical testing. Allele origin: germline.
Comment: In summary, the available evidence is currently insufficient to determine the role of this variant in disease. Therefore, it has been classified as a Variant of Uncertain Significance. Advanced modeling of protein sequence and biophysical properties (such as structural, functional, and spatial information, amino acid conservation, physicochemical variation, residue mobility, and thermodynamic stability) has been performed at Invitae for this missense variant, however the output from this modeling did not meet the statistical confidence thresholds required to predict the impact of this variant on NPHP3 protein function. ClinVar contains an entry for this variant (Variation ID: 972421). This variant has not been reported in the literature in individuals affected with NPHP3-related conditions. This variant is not present in population databases (gnomAD no frequency). This sequence change replaces serine, which is neutral and polar, with asparagine, which is neutral and polar, at codon 960 of the NPHP3 protein (p.Ser960Asn).

NM_153240.5(NPHP3):c.2879G>A (p.Ser960Asn)

Genes: NPHP3-ACAD11 (NPHP3-ACAD11 readthrough (NMD candidate); minus strand), NPHP3 (nephrocystin 3; minus strand). Cytogenetic location: 3q22.1.
Variant type: single nucleotide variant.
Coding change: c.2879G>A on transcript NM_153240.5 (MANE Select); coding-DNA position 2879, G replaced by A.
Protein change: p.Ser960Asn; replaces serine 960 with asparagine.
Molecular consequence: missense variant. On other transcripts: non-coding transcript variant (1).
Genome position (GRCh38, 1-based): chr3:132,689,078, C>T on the plus strand (G>A on the coding strand, the complement: NPHP3 is on the minus strand). VCF-style: chr3-132689078-C-T. GRCh37 (hg19) VCF-style: chr3-132407922-C-T.
Other names: short protein forms S960N.
Identifiers: ClinVar variation 972421 (VCV000972421.8), dbSNP rs1939235108, ClinGen allele CA354580269.